The following is an entry in ClinVar:

NM_005035.4(POLRMT):c.2069C>G (p.Thr690Ser)

Gene: POLRMT (RNA polymerase mitochondrial; minus strand). Cytogenetic location: 19p13.3.
Variant type: single nucleotide variant.
Coding change: c.2069C>G on transcript NM_005035.4 (MANE Select); coding-DNA position 2069, C replaced by G.
Protein change: p.Thr690Ser; replaces threonine 690 with serine.
Molecular consequence: missense variant. On other transcripts: non-coding transcript variant (1).
Genome position (GRCh38, 1-based): chr19:621,629, G>C on the plus strand (C>G on the coding strand, the complement: POLRMT is on the minus strand). VCF-style: chr19-621629-G-C. GRCh37 (hg19) VCF-style: chr19-621629-G-C.
Other names: c.2069C>G (NM_005035.3); c.1745C>G, p.Thr582Ser (NM_001407836.1, NM_001407831.1, NM_001407833.1 and 1 more transcripts); c.2069C>G, p.Thr690Ser (NM_001407814.1, NM_001407815.1, NM_001407816.1 and 4 more transcripts); c.1844C>G, p.Thr615Ser (NM_001407830.1, NM_001407832.1); c.1736C>G, p.Thr579Ser (NM_001407834.1); c.2060C>G, p.Thr687Ser (NM_001407806.1, NM_001407809.1); c.2057C>G, p.Thr686Ser (NM_001407807.1, NM_001407810.1); c.2027C>G, p.Thr676Ser (NM_001407811.1, NM_001407813.1); short protein forms T579S, T582S, T615S, T676S, T686S, T687S, T690S.
Identifiers: ClinVar variation 2648858 (VCV002648858.25), dbSNP rs559530795, ClinGen allele CA9020033.

ClinVar aggregate classification (germline): Conflicting classifications of pathogenicity. Review status: criteria provided, conflicting classifications (1 of 4 stars). 2 submissions from 2 submitters: Uncertain significance (1); Likely benign (1). Last evaluated 2024-11-20.

Allele frequency attached by ClinVar (database versions not stated): 1000 Genomes Project 30x 0.00016; 1000 Genomes Project 0.00020.
gnomAD v4.1: 43 of 1,528,144 alleles (0.0028%); highest among the groups gnomAD compares: African/African-American, 0.042%; no homozygotes.

Submissions (2):

Ambry Genetics
Classification: Uncertain significance. Last evaluated: 2024-11-20. Review status: criteria provided, single submitter. Criteria: Ambry Variant Classification Scheme 2023. Collection method: clinical testing. Allele origin: germline.

CeGaT Center for Human Genetics Tuebingen
Classification: Likely benign. Last evaluated: 2022-11-01. Review status: criteria provided, single submitter. Criteria: CeGaT Center For Human Genetics Tuebingen Variant Classification Criteria Version 2. Collection method: clinical testing. Allele origin: germline. Affected: yes. Observed: 1 variant allele.
Comment: POLRMT: BP4